The following is an entry in ClinVar:

ClinVar aggregate classification (germline): Uncertain significance (1 of 4 stars; one submission).

gnomAD v4.1: 1 of 1,570,936 alleles (0.000064%); highest among the groups gnomAD compares: South Asian, 0.0012%; no homozygotes.

Submission:

GeneDx
Classification: Uncertain significance. Last evaluated: 2019-05-17. Review status: criteria provided, single submitter. Criteria: GeneDx Variant Classification Process June 2021. Collection method: clinical testing. Allele origin: germline. Affected: yes.
Comment: Not observed in large population cohorts (Lek et al., 2016); In silico analysis, which includes protein predictors and evolutionary conservation, supports a deleterious effect; Has not been previously published as pathogenic or benign to our knowledge

NM_021098.3(CACNA1H):c.4799A>G (p.Tyr1600Cys)

Gene: CACNA1H (calcium voltage-gated channel subunit alpha1 H; plus strand). Cytogenetic location: 16p13.3.
Variant type: single nucleotide variant.
Coding change: c.4799A>G on transcript NM_021098.3 (MANE Select); coding-DNA position 4799, A replaced by G.
Protein change: p.Tyr1600Cys; replaces tyrosine 1600 with cysteine.
Molecular consequence: missense variant.
Genome position (GRCh38, 1-based): chr16:1,213,801, A>G. VCF-style: chr16-1213801-A-G. GRCh37 (hg19) VCF-style: chr16-1263801-A-G.
Other names: c.4781A>G, p.Tyr1594Cys (NM_001005407.2); short protein forms Y1594C, Y1600C.
Identifiers: ClinVar variation 1318988 (VCV001318988.2), dbSNP rs1969738079, ClinGen allele CA394145141.